The following is an entry in ClinVar:

ClinVar aggregate classification (germline): Uncertain significance (1 of 4 stars; one submission).

Conditions:
Inborn genetic diseases. Identifiers: MedGen C0950123, MeSH D030342.

Submission:

Ambry Genetics
Classification: Uncertain significance for Inborn genetic diseases. Last evaluated: 2024-08-02. Review status: criteria provided, single submitter. Criteria: Ambry Variant Classification Scheme 2023. Collection method: clinical testing. Allele origin: germline.
Comment: The c.1687-1G>C intronic variant results from a G to C substitution one nucleotide before exon 15 (coding exon 14) of the ZMYND11 gene. Alterations that disrupt the canonical splice site are expected to result in aberrant splicing. The resulting transcript is predicted to be in-frame and is not expected to trigger nonsense-mediated mRNA decay; however, direct evidence is unavailable. The exact functional effect of the altered amino acid sequence is unknown. This variant was not reported in population-based cohorts in the Genome Aggregation Database (gnomAD). This nucleotide position is highly conserved in available vertebrate species. In silico splice site analysis predicts that this alteration will weaken the native splice acceptor site and may result in the creation or strengthening of a novel splice acceptor site. Based on insufficient or conflicting evidence, the clinical significance of this alteration remains unclear.

NM_001370100.5(ZMYND11):c.1687-1G>C

Gene: ZMYND11 (zinc finger MYND-type containing 11; plus strand). Cytogenetic location: 10p15.3.
Variant type: single nucleotide variant.
Coding change: c.1687-1G>C on transcript NM_001370100.5 (MANE Select); the canonical splice acceptor site of the intron before coding-DNA position 1687, G replaced by C.
Molecular consequence: splice acceptor variant.
Genome position (GRCh38, 1-based): chr10:252,347, G>C. VCF-style: chr10-252347-G-C. GRCh37 (hg19) VCF-style: chr10-298287-G-C.
Other names: c.1525-1G>C (NM_001370103.2, NM_001370104.2, NM_001370105.2 and 5 more transcripts); c.1687-1G>C (NM_006624.7, NM_001370098.2, NM_001370097.3 and 3 more transcripts); c.1540-1G>C (NM_001370119.2); c.1567-1G>C (NM_001370118.2); c.1594-1G>C (NM_001370113.2, NM_001370114.2); c.1636-1G>C (NM_001330057.3, NM_001370112.2); c.1684-1G>C (NM_001370115.2); c.1522-1G>C (NM_001202466.3, NM_001370111.2); and 8 more.
Identifiers: ClinVar variation 3474066 (VCV003474066.1).
Genomic context (GRCh38, chr10:252,347, plus strand): 5'-TAACCAGTCGCTTACACATCCACACCCAAGTCTAAAGACTGCCCCGATTTCTTACCTGCA[G>C]TGCTACAACTGTGAGGAGGAGGCCATGTACCACTGCTGCTGGAACACATCCTACTGCTCC-3'